The following is an entry in ClinVar:

ClinVar aggregate classification (germline): Uncertain significance. Review status: criteria provided, multiple submitters, no conflicts (2 of 4 stars). 2 submissions from 2 submitters: Uncertain significance (2). Last evaluated 2025-06-12.

Allele frequency attached by ClinVar (database versions not stated): ExAC 0.00012; gnomAD 0.00032; 1000 Genomes Project 30x 0.00078; gnomAD exomes 0.00002; TOPMed 0.00038; 1000 Genomes Project 0.00040.
gnomAD v4.1: 86 of 1,573,184 alleles (0.0055%); highest among the groups gnomAD compares: African/African-American, 0.098%; no homozygotes.

Submissions (2):

Labcorp Genetics (formerly Invitae), Labcorp
Classification: Uncertain significance. Last evaluated: 2025-06-12. Review status: criteria provided, single submitter. Criteria: Invitae Variant Classification Sherloc (09022015). Collection method: clinical testing. Allele origin: germline.
Comment: This sequence change replaces serine, which is neutral and polar, with asparagine, which is neutral and polar, at codon 84 of the FGF20 protein (p.Ser84Asn). This variant is present in population databases (rs533886836, gnomAD 0.09%), and has an allele count higher than expected for a pathogenic variant. This variant has not been reported in the literature in individuals affected with FGF20-related conditions. ClinVar contains an entry for this variant (Variation ID: 2907885). An algorithm developed to predict the effect of missense changes on protein structure and function (PolyPhen-2) suggests that this variant is likely to be tolerated. In summary, the available evidence is currently insufficient to determine the role of this variant in disease. Therefore, it has been classified as a Variant of Uncertain Significance.

Ambry Genetics
Classification: Uncertain significance. Last evaluated: 2025-03-19. Review status: criteria provided, single submitter. Criteria: Ambry Variant Classification Scheme 2023. Collection method: clinical testing. Allele origin: germline.

NM_019851.3(FGF20):c.251G>A (p.Ser84Asn)

Gene: FGF20 (fibroblast growth factor 20; minus strand). Cytogenetic location: 8p22.
Variant type: single nucleotide variant.
Coding change: c.251G>A on transcript NM_019851.3 (MANE Select); coding-DNA position 251, G replaced by A.
Protein change: p.Ser84Asn; replaces serine 84 with asparagine.
Molecular consequence: missense variant.
Genome position (GRCh38, 1-based): chr8:17,001,782, C>T on the plus strand (G>A on the coding strand, the complement: FGF20 is on the minus strand). VCF-style: chr8-17001782-C-T. GRCh37 (hg19) VCF-style: chr8-16859291-C-T.
Other names: c.251G>A (NM_019851.2); short protein forms S84N.
Identifiers: ClinVar variation 2907885 (VCV002907885.4), dbSNP rs533886836, ClinGen allele CA4641692.